The following is an entry in ClinVar:

ClinVar aggregate classification (germline): Uncertain significance (1 of 4 stars; one submission).

Submission:

Labcorp Genetics (formerly Invitae), Labcorp
Classification: Uncertain significance. Last evaluated: 2024-08-19. Review status: criteria provided, single submitter. Criteria: Invitae Variant Classification Sherloc (09022015). Collection method: clinical testing. Allele origin: germline.
Comment: This sequence change replaces proline, which is neutral and non-polar, with alanine, which is neutral and non-polar, at codon 952 of the FGD1 protein (p.Pro952Ala). This variant is not present in population databases (gnomAD no frequency). This variant has not been reported in the literature in individuals affected with FGD1-related conditions. An algorithm developed to predict the effect of missense changes on protein structure and function outputs the following: PolyPhen-2: "Possibly Damaging". The alanine amino acid residue is found in multiple mammalian species, which suggests that this missense change does not adversely affect protein function. In summary, the available evidence is currently insufficient to determine the role of this variant in disease. Therefore, it has been classified as a Variant of Uncertain Significance.

NM_004463.3(FGD1):c.2854C>G (p.Pro952Ala)

Genes: FGD1 (FYVE, RhoGEF and PH domain containing 1; minus strand), TSR2 (TSR2 ribosome maturation factor; plus strand). Cytogenetic location: Xp11.22.
Variant type: single nucleotide variant.
Coding change: c.2854C>G on transcript NM_004463.3 (MANE Select); coding-DNA position 2854, C replaced by G.
Protein change: p.Pro952Ala; replaces proline 952 with alanine.
Molecular consequence: missense variant. On other transcripts: 3 prime UTR variant (5).
Genome position (GRCh38, 1-based): chrX:54,446,141, G>C on the plus strand (C>G on the coding strand, the complement: FGD1 is on the minus strand). VCF-style: chrX-54446141-G-C. GRCh37 (hg19) VCF-style: chrX-54472574-G-C.
Other names: c.*1591G>C (NM_001346789.2, NM_001346790.2, NM_001346791.2 and 2 more transcripts); short protein forms P952A.
Identifiers: ClinVar variation 2702190 (VCV002702190.3), dbSNP rs374402628, ClinGen allele CA413357744.